The following is an entry in ClinVar:

NM_001365536.1(SCN9A):c.5791_5794dup (p.Met1932fs)

Genes: SCN1A-AS1 (SCN1A and SCN9A antisense RNA 1; plus strand), SCN9A (sodium voltage-gated channel alpha subunit 9; minus strand). Cytogenetic location: 2q24.3.
Variant type: Duplication.
Coding change: c.5791_5794dup on transcript NM_001365536.1 (MANE Select); coding-DNA positions 5791 to 5794, 4 bases duplicated (GATA; older notation c.5791_5794dupGATA).
Protein change: p.Met1932fs; shifts the reading frame from methionine 1932.
Molecular consequence: frameshift variant.
Genome position (GRCh38, 1-based): chr2:166,198,845-166,198,848, TATC duplicated on the plus strand (GATA on the coding strand, the reverse complement: SCN9A is on the minus strand); duplicating any 4 consecutive bases within chr2:166,198,845-166,198,849 gives the same sequence; the c. name uses the placement nearest the transcript's 3' end. VCF-style (leftmost placement, unchanged base first): chr2-166198844-A-ATATC. GRCh37 (hg19) VCF-style: chr2-167055354-A-ATATC.
Other names: c.5758_5761dup, p.Met1921fs (NM_002977.4); c.5758_5761dup (NM_002977.3); short protein forms M1921fs, M1932fs.
Identifiers: ClinVar variation 3369752 (VCV003369752.1).

ClinVar aggregate classification (germline): Uncertain significance (1 of 4 stars; one submission).

Submission:

GeneDx
Classification: Uncertain significance. Last evaluated: 2024-02-24. Review status: criteria provided, single submitter. Criteria: GeneDx Variant Classification Process June 2021. Collection method: clinical testing. Allele origin: germline. Affected: yes.
Comment: Not observed at significant frequency in large population cohorts (gnomAD); Frameshift variant predicted to result in abnormal protein length as the last 57 amino acids are replaced with 4 different amino acids; Has not been previously published as pathogenic or benign to our knowledge